The following is an entry in ClinVar:

NM_013444.4(UBQLN2):c.171T>G (p.Phe57Leu)

Gene: UBQLN2 (ubiquilin 2; plus strand). Cytogenetic location: Xp11.21.
Variant type: single nucleotide variant.
Coding change: c.171T>G on transcript NM_013444.4 (MANE Select); coding-DNA position 171, T replaced by G.
Protein change: p.Phe57Leu; replaces phenylalanine 57 with leucine.
Molecular consequence: missense variant.
Genome position (GRCh38, 1-based): chrX:56,564,044, T>G. VCF-style: chrX-56564044-T-G. GRCh37 (hg19) VCF-style: chrX-56590477-T-G.
Other names: short protein forms F57L.
Identifiers: ClinVar variation 3695619 (VCV003695619.2).

ClinVar aggregate classification (germline): Uncertain significance (1 of 4 stars; one submission).

Conditions:
Amyotrophic lateral sclerosis type 15. Also called: AMYOTROPHIC LATERAL SCLEROSIS 15 WITH FRONTOTEMPORAL DEMENTIA. Identifiers: Orphanet 803, MedGen C3275459, MONDO:0010459, OMIM 300857.

gnomAD v4.1: 6 of 1,196,966 alleles (0.0005%); highest among the groups gnomAD compares: South Asian, 0.0091%; no homozygotes.

Submission:

Labcorp Genetics (formerly Invitae), Labcorp
Classification: Uncertain significance for Amyotrophic lateral sclerosis type 15. Last evaluated: 2024-09-17. Review status: criteria provided, single submitter. Criteria: Invitae Variant Classification Sherloc (09022015). Collection method: clinical testing. Allele origin: germline.
Comment: This sequence change replaces phenylalanine, which is neutral and non-polar, with leucine, which is neutral and non-polar, at codon 57 of the UBQLN2 protein (p.Phe57Leu). This variant is present in population databases (rs749897702, gnomAD 0.02%). This variant has not been reported in the literature in individuals affected with UBQLN2-related conditions. Invitae Evidence Modeling of protein sequence and biophysical properties (such as structural, functional, and spatial information, amino acid conservation, physicochemical variation, residue mobility, and thermodynamic stability) indicates that this missense variant is not expected to disrupt UBQLN2 protein function with a negative predictive value of 80%. In summary, the available evidence is currently insufficient to determine the role of this variant in disease. Therefore, it has been classified as a Variant of Uncertain Significance.